The following is an entry in ClinVar:

NM_002471.4(MYH6):c.1007C>A (p.Ala336Asp)

Gene: MYH6 (myosin heavy chain 6; minus strand). Cytogenetic location: 14q11.2.
Variant type: single nucleotide variant.
Coding change: c.1007C>A on transcript NM_002471.4 (MANE Select); coding-DNA position 1007, C replaced by A.
Protein change: p.Ala336Asp; replaces alanine 336 with aspartic acid.
Molecular consequence: missense variant.
Genome position (GRCh38, 1-based): chr14:23,402,598, G>T on the plus strand (C>A on the coding strand, the complement: MYH6 is on the minus strand). VCF-style: chr14-23402598-G-T. GRCh37 (hg19) VCF-style: chr14-23871807-G-T.
Other names: short protein forms A336D.
Identifiers: ClinVar variation 1003967 (VCV001003967.8), dbSNP rs138572790, ClinGen allele CA7115919.
Genomic context (GRCh38, chr14:23,402,598, plus strand): 5'-GCTCCCGTCAGCTTGTAGACGCCAGCTTTCTCCTCTGAAGTGAAGCCCAGCACGTCAAAG[G>T]CACTCTGGGACAGAGCGAGAGACAAAGAGGGGGGTTGGAGCGGTGGCCCCAGGAGCTCCT-3'
Protein context (NP_002462.2, residues 326-346): DSEELMATDS[Ala336Asp]FDVLGFTSEE

ClinVar aggregate classification (germline): Uncertain significance (1 of 4 stars; one submission).

Conditions:
Hypertrophic cardiomyopathy 14. Identifiers: MedGen C2750467, MONDO:0013197, OMIM 613251.

Allele frequency attached by ClinVar (database versions not stated): TOPMed 0.00003.
gnomAD v4.1: 6 of 1,613,644 alleles (0.00037%); highest among the groups gnomAD compares: East Asian, 0.013%; no homozygotes.

Submission:

Labcorp Genetics (formerly Invitae), Labcorp
Classification: Uncertain significance for Hypertrophic cardiomyopathy 14. Last evaluated: 2025-11-24. Review status: criteria provided, single submitter. Criteria: Invitae Variant Classification Sherloc (09022015). Collection method: clinical testing. Allele origin: germline.
Comment: This sequence change replaces alanine, which is neutral and non-polar, with aspartic acid, which is acidic and polar, at codon 336 of the MYH6 protein (p.Ala336Asp). This variant is present in population databases (rs138572790, gnomAD 0.03%). This missense change has been observed in individual(s) with dilated cardiomyopathy (PMID: 31983221). ClinVar contains an entry for this variant (Variation ID: 1003967). Invitae Evidence Modeling of protein sequence and biophysical properties (such as structural, functional, and spatial information, amino acid conservation, physicochemical variation, residue mobility, and thermodynamic stability) indicates that this missense variant is expected to disrupt MYH6 protein function with a positive predictive value of 80%. In summary, the available evidence is currently insufficient to determine the role of this variant in disease. Therefore, it has been classified as a Variant of Uncertain Significance.

Literature cited by the submitters: PubMed 31983221.